The following is an entry in ClinVar:

NM_000094.4(COL7A1):c.1475_1480del (p.Glu492_Val493del)

Gene: COL7A1 (collagen type VII alpha 1 chain; minus strand). Cytogenetic location: 3p21.31.
Variant type: Deletion.
Coding change: c.1475_1480del on transcript NM_000094.4 (MANE Select); coding-DNA positions 1475 to 1480, 6 bases deleted (AGGTGG; older notation c.1475_1480delAGGTGG).
Protein change: p.Glu492_Val493del.
Molecular consequence: inframe deletion.
Genome position (GRCh38, 1-based): chr3:48,591,700-48,591,705, CCACCT deleted on the plus strand (AGGTGG on the coding strand, the reverse complement: COL7A1 is on the minus strand); deleting any 6 consecutive bases within chr3:48,591,700-48,591,706 gives the same sequence; the c. name uses the placement nearest the transcript's 3' end. VCF-style (leftmost placement, unchanged base first): chr3-48591699-GCCACCT-G. GRCh37 (hg19) VCF-style: chr3-48629132-GCCACCT-G.
Identifiers: ClinVar variation 4694356 (VCV004694356.1).

ClinVar aggregate classification (germline): Uncertain significance (1 of 4 stars; one submission).

Submission:

Labcorp Genetics (formerly Invitae), Labcorp
Classification: Uncertain significance. Last evaluated: 2025-02-12. Review status: criteria provided, single submitter. Criteria: Invitae Variant Classification Sherloc (09022015). Collection method: clinical testing. Allele origin: germline.
Comment: This variant, c.1475_1480del, results in the deletion of 2 amino acid(s) of the COL7A1 protein (p.Glu492_Val493del), but otherwise preserves the integrity of the reading frame. This variant is not present in population databases (gnomAD no frequency). This variant has not been reported in the literature in individuals affected with COL7A1-related conditions. Experimental studies and prediction algorithms are not available or were not evaluated, and the functional significance of this variant is currently unknown. In summary, the available evidence is currently insufficient to determine the role of this variant in disease. Therefore, it has been classified as a Variant of Uncertain Significance.